The following is an entry in ClinVar:

ClinVar aggregate classification (germline): Conflicting classifications of pathogenicity. Review status: criteria provided, conflicting classifications (1 of 4 stars). 2 submissions from 2 submitters: Uncertain significance (1); Likely benign (1). Last evaluated 2025-08-17.

Conditions:
Hereditary cancer-predisposing syndrome. Also called: Neoplastic Syndromes, Hereditary; Hereditary Cancer Syndrome; Hereditary neoplastic syndrome; Tumor predisposition. Identifiers: Orphanet 140162, MedGen C0027672, MeSH D009386, MONDO:0015356.
Hereditary breast ovarian cancer syndrome. Also called: Hereditary breast and/or ovarian cancer syndrome; Breast and ovarian cancer; BRCA1- and BRCA2-Associated Hereditary Breast and Ovarian Cancer; Hereditary breast and ovarian cancer syndrome; Hereditary breast and ovarian cancer syndrome (HBOC); Hereditary breast and ovarian cancer. Identifiers: Orphanet 145, MedGen C0677776, MeSH D061325, MONDO:0003582. Disease mechanism: loss of function.

Submissions (2):

Labcorp Genetics (formerly Invitae), Labcorp
Classification: Uncertain significance for Hereditary breast ovarian cancer syndrome. Last evaluated: 2025-08-17. Review status: criteria provided, single submitter. Criteria: Invitae Variant Classification Sherloc (09022015). Collection method: clinical testing. Allele origin: germline.
Comment: This sequence change replaces cysteine, which is neutral and slightly polar, with tryptophan, which is neutral and slightly polar, at codon 1580 of the BRCA2 protein (p.Cys1580Trp). This variant is not present in population databases (gnomAD no frequency). This variant has not been reported in the literature in individuals affected with BRCA2-related conditions. ClinVar contains an entry for this variant (Variation ID: 1059770). Invitae Evidence Modeling of protein sequence and biophysical properties (such as structural, functional, and spatial information, amino acid conservation, physicochemical variation, residue mobility, and thermodynamic stability) indicates that this missense variant is not expected to disrupt BRCA2 protein function with a negative predictive value of 95%. In summary, the available evidence is currently insufficient to determine the role of this variant in disease. Therefore, it has been classified as a Variant of Uncertain Significance.

University of Washington Department of Laboratory Medicine, University of Washington
Classification: Likely benign for Hereditary cancer-predisposing syndrome. Last evaluated: 2023-03-23. Review status: criteria provided, single submitter. Criteria: Dines et al. (Genet Med. 2020). Collection method: curation. Allele origin: germline.
Comment: Missense variant in a coldspot region where missense variants are very unlikely to be pathogenic (PMID:31911673).

BRCA2 exon 11 coldspot. Reclassification based on statistical prior probability.

NM_000059.4(BRCA2):c.4740T>G (p.Cys1580Trp)

Gene: BRCA2 (BRCA2 DNA repair associated; plus strand). Cytogenetic location: 13q13.1.
Variant type: single nucleotide variant.
Coding change: c.4740T>G on transcript NM_000059.4 (MANE Select); coding-DNA position 4740, T replaced by G.
Protein change: p.Cys1580Trp; replaces cysteine 1580 with tryptophan.
Molecular consequence: missense variant.
Genome position (GRCh38, 1-based): chr13:32,339,095, T>G. VCF-style: chr13-32339095-T-G. GRCh37 (hg19) VCF-style: chr13-32913232-T-G.
Other names: short protein forms C1580W.
Identifiers: ClinVar variation 1059770 (VCV001059770.10), dbSNP rs2137509697, ClinGen allele CA387783054.